The following is an entry in ClinVar:

ClinVar aggregate classification (germline): Conflicting classifications of pathogenicity. Review status: criteria provided, conflicting classifications (1 of 4 stars). 2 submissions from 2 submitters: Likely pathogenic (1); Uncertain significance (1). Last evaluated 2026-03-06.

Conditions:
Hereditary cancer-predisposing syndrome. Also called: Tumor predisposition; Hereditary Cancer Syndrome; Neoplastic Syndromes, Hereditary; Hereditary neoplastic syndrome. Identifiers: Orphanet 140162, MedGen C0027672, MeSH D009386, MONDO:0015356.

Submissions (2):

Ambry Genetics
Classification: Likely pathogenic for Hereditary cancer-predisposing syndrome. Last evaluated: 2026-03-06. Review status: criteria provided, single submitter. Criteria: Ambry Variant Classification Scheme 2023. Collection method: clinical testing. Allele origin: germline.
Comment: The p.L244P variant (also known as c.731T>C), located in coding exon 5 of the FH gene, results from a T to C substitution at nucleotide position 731. The leucine at codon 244 is replaced by proline, an amino acid with similar properties. This variant was reported in individual(s) with features consistent with FH-related tumor predisposition (Ambry internal data). Based on internal structural analysis, this variant is moderately destabilizing to the local structure (Ambry internal data). This amino acid position is highly conserved in available vertebrate species. In addition, this alteration is predicted to be deleterious by in silico analysis. Based on the majority of available evidence to date, this variant is likely to be pathogenic.

Labcorp Genetics (formerly Invitae), Labcorp
Classification: Uncertain significance. Last evaluated: 2017-10-30. Review status: criteria provided, single submitter. Criteria: Invitae Variant Classification Sherloc (09022015). Collection method: clinical testing. Allele origin: germline.
Comment: In summary, the available evidence is currently insufficient to determine the role of this variant in disease. Therefore, it has been classified as a Variant of Uncertain Significance. Algorithms developed to predict the effect of missense changes on protein structure and function (SIFT, PolyPhen-2, Align-GVGD) all suggest that this variant is likely to be disruptive, but these predictions have not been confirmed by published functional studies and their clinical significance is uncertain. This variant has been reported in an individual in the Leiden Open-source Variation Database (PMID: 21520333). This variant is not present in population databases (ExAC no frequency). This sequence change replaces leucine with proline at codon 244 of the FH protein (p.Leu244Pro). The leucine residue is highly conserved and there is a moderate physicochemical difference between leucine and proline.

Literature cited by the submitters: PubMed 21520333 (cited by Labcorp Genetics (formerly Invitae), Labcorp).

NM_000143.4(FH):c.731T>C (p.Leu244Pro)

Gene: FH (fumarate hydratase; minus strand). Cytogenetic location: 1q43.
Variant type: single nucleotide variant.
Coding change: c.731T>C on transcript NM_000143.4 (MANE Select); coding-DNA position 731, T replaced by C.
Protein change: p.Leu244Pro; replaces leucine 244 with proline.
Molecular consequence: missense variant.
Genome position (GRCh38, 1-based): chr1:241,508,610, A>G on the plus strand (T>C on the coding strand, the complement: FH is on the minus strand). VCF-style: chr1-241508610-A-G. GRCh37 (hg19) VCF-style: chr1-241671910-A-G.
Other names: short protein forms L244P.
Identifiers: ClinVar variation 529822 (VCV000529822.10), dbSNP rs1060499636, ClinGen allele CA345439154.